The following is an entry in ClinVar:

ClinVar aggregate classification (germline): Benign/Likely benign. Review status: criteria provided, multiple submitters, no conflicts (2 of 4 stars). 4 submissions from 4 submitters: Benign (1); Likely benign (3). Last evaluated 2026-01-26.

Conditions:
Lethal polymalformative syndrome, Boissel type. Also called: GROWTH RETARDATION, DEVELOPMENTAL DELAY, AND FACIAL DYSMORPHISM. Identifiers: Orphanet 210144, MedGen C2752001, MONDO:0013050, OMIM 612938.

Allele frequency attached by ClinVar (database versions not stated): gnomAD exomes 0.00063 and 0.00151; ExAC 0.00157; 1000 Genomes Project 0.00339; ESP Exome Variant Server 0.00339; gnomAD 0.00340 and 0.00358; 1000 Genomes Project 30x 0.00359; TOPMed 0.00364.
gnomAD v4.1: 1,496 of 1,609,424 alleles (0.093%); highest among the groups gnomAD compares: African/African-American, 0.97%; 8 homozygotes.

Submissions (4):

Labcorp Genetics (formerly Invitae), Labcorp
Classification: Benign. Last evaluated: 2026-01-26. Review status: criteria provided, single submitter. Criteria: Invitae Variant Classification Sherloc (09022015). Collection method: clinical testing. Allele origin: germline.

Blueprint Genetics
Classification: Likely benign. Last evaluated: 2024-11-20. Review status: criteria provided, single submitter. Criteria: ACMG Guidelines, 2015. Collection method: clinical testing. Allele origin: germline.

Illumina Laboratory Services, Illumina
Classification: Likely benign for Lethal polymalformative syndrome, Boissel type. Last evaluated: 2018-01-13. Review status: criteria provided, single submitter. Criteria: ICSL Variant Classification Criteria 13 December 2019. Collection method: clinical testing. Allele origin: germline.
Comment: This variant was observed in the ICSL laboratory as part of a predisposition screen in an ostensibly healthy population. It had not been previously curated by ICSL or reported in the Human Gene Mutation Database (HGMD: prior to June 1st, 2018), and was therefore a candidate for classification through an automated scoring system. Utilizing variant allele frequency, disease prevalence and penetrance estimates, and inheritance mode, an automated score was calculated to assess if this variant is too frequent to cause the disease. Based on the score and internal cut-off values, a variant classified as likely benign is not then subjected to further curation. The score for this variant resulted in a classification of likely benign for this disease.

Breakthrough Genomics
Classification: Likely benign. Review status: criteria provided, single submitter. Criteria: ACMG Guidelines, 2015. Collection method: not provided. Allele origin: germline. Inheritance: Autosomal recessive inheritance. Affected: yes.

NM_001080432.3(FTO):c.99C>T (p.Pro33=)

Gene: FTO (FTO alpha-ketoglutarate dependent dioxygenase; plus strand). Cytogenetic location: 16q12.2.
Variant type: single nucleotide variant.
Coding change: c.99C>T on transcript NM_001080432.3 (MANE Select); coding-DNA position 99, C replaced by T.
Protein change: p.Pro33=; no amino-acid change (proline 33 retained).
Molecular consequence: synonymous variant. On other transcripts: 5 prime UTR variant (1), non-coding transcript variant (1), intron variant (1).
Genome position (GRCh38, 1-based): chr16:53,810,193, C>T. VCF-style: chr16-53810193-C-T. GRCh37 (hg19) VCF-style: chr16-53844105-C-T.
Other names: c.99C>T, p.Pro33= (NM_001363891.2, NM_001363894.2, NM_001363896.2 and 9 more transcripts); c.-594C>T (NM_001363905.2); c.46-15671C>T (NM_001363897.2).
Identifiers: ClinVar variation 319679 (VCV000319679.16), dbSNP rs116753298, ClinGen allele CA8058286.
Genomic context (GRCh38, chr16:53,810,193, plus strand): 5'-CAAACAGAAACTGAGGCTTCTTGAAGAGCTTGAAGACACTTGGCTCCCTTATCTGACCCC[C>T]AAAGATGATGAATTCTATCAGCAGGTAAGGTATTTTAATATTTTTATCAGTTTCAGTGAT-3'
Protein context (NP_001073901.1, residues 23-43): LEDTWLPYLT[Pro33=]KDDEFYQQWQ